The following is an entry in ClinVar:

ClinVar aggregate classification (germline): Likely benign. Review status: criteria provided, multiple submitters, no conflicts (2 of 4 stars). 3 submissions from 3 submitters: Likely benign (2). 1 of the submissions does not count toward it. Last evaluated 2024-10-29.

Conditions:
Granulomatous disease, chronic, autosomal recessive, cytochrome b-positive, type 3. Also called: Granulomatous disease, chronic, autosomal recessive, cytochrome b-positive, type III; GRANULOMATOUS DISEASE, CHRONIC, DUE TO NCF4 DEFICIENCY; GRANULOMATOUS DISEASE, CHRONIC, AUTOSOMAL RECESSIVE, 3; CGD, AUTOSOMAL RECESSIVE CYTOCHROME b-POSITIVE, TYPE III. Identifiers: Orphanet 379, MedGen C3151409, MONDO:0013507, OMIM 613960.
NCF4-related disorder. Also called: NCF4-related condition.

Allele frequency attached by ClinVar (database versions not stated): gnomAD exomes 0.00001 and 0.00004; ExAC 0.00004; gnomAD 0.00005 and 0.00007; TOPMed 0.00005.
gnomAD v4.1: 26 of 1,562,934 alleles (0.0017%); highest among the groups gnomAD compares: Admixed American, 0.031%; 1 homozygote.

Submissions (3):

Labcorp Genetics (formerly Invitae), Labcorp
Classification: Likely benign for Granulomatous disease, chronic, autosomal recessive, cytochrome b-positive, type 3. Last evaluated: 2024-10-29. Review status: criteria provided, single submitter. Criteria: Invitae Variant Classification Sherloc (09022015). Collection method: clinical testing. Allele origin: germline.

Blueprint Genetics
Classification: Likely benign. Last evaluated: 2024-10-22. Review status: criteria provided, single submitter. Criteria: ACMG Guidelines, 2015. Collection method: clinical testing. Allele origin: germline.

PreventionGenetics, part of Exact Sciences
Classification: Likely benign for NCF4-related condition. Last evaluated: 2021-01-19. Review status: no assertion criteria provided. Collection method: clinical testing. Allele origin: germline. Not counted in ClinVar's aggregate classification.
Comment: This variant is classified as likely benign based on ACMG/AMP sequence variant interpretation guidelines (Richards et al. 2015 PMID: 25741868, with internal and published modifications).

NM_000631.5(NCF4):c.471-9T>C

Gene: NCF4 (neutrophil cytosolic factor 4; plus strand). Cytogenetic location: 22q12.3.
Variant type: single nucleotide variant.
Coding change: c.471-9T>C on transcript NM_000631.5 (MANE Select); 9 bases into the intron before coding-DNA position 471, T replaced by C.
Molecular consequence: intron variant.
Genome position (GRCh38, 1-based): chr22:36,871,643, T>C. VCF-style: chr22-36871643-T-C. GRCh37 (hg19) VCF-style: chr22-37267685-T-C.
Other names: c.471-9T>C (NM_013416.3, NM_013416.4).
Identifiers: ClinVar variation 1575164 (VCV001575164.11), dbSNP rs765278988, ClinGen allele CA10213022.
Genomic context (GRCh38, chr22:36,871,643, plus strand): 5'-GACACAGGAGCAGGAAGCTGGGCCCTGAGAGAATCACAGGGCTAACAAGCCCCTCTTCTC[T>C]CTCCACAGCAAGAGCGTGTCCCCACAGGGCAACAGCGTTGACCGCATGGCAGCTCCGAGA-3'